The following is an entry in ClinVar:

NM_201384.3(PLEC):c.3840+48A>G

Gene: PLEC (plectin; minus strand). Cytogenetic location: 8q24.3.
Variant type: single nucleotide variant.
Coding change: c.3840+48A>G on transcript NM_201384.3 (MANE Select); 48 bases into the intron after coding-DNA position 3840, A replaced by G.
Molecular consequence: intron variant.
Genome position (GRCh38, 1-based): chr8:143,927,204, T>C on the plus strand (A>G on the coding strand, the complement: PLEC is on the minus strand). VCF-style: chr8-143927204-T-C. GRCh37 (hg19) VCF-style: chr8-145001372-T-C.
Other names: c.3921+48A>G (NM_000445.5); c.3798+48A>G (NM_201378.4); c.3774+48A>G (NM_201379.3); c.4251+48A>G (NM_201380.4); c.3744+48A>G (NM_201381.3); c.3840+48A>G (NM_201382.4); c.3852+48A>G (NM_201383.3).
Identifiers: ClinVar variation 256175 (VCV000256175.5), dbSNP rs11782890, ClinGen allele CA4926892.

ClinVar aggregate classification (germline): Benign. Review status: criteria provided, multiple submitters, no conflicts (2 of 4 stars). 8 submissions from 4 submitters: Benign (8). Last evaluated 2021-10-25.

Conditions:
Epidermolysis bullosa simplex with nail dystrophy (EBS5D). Identifiers: MedGen C4225309, MONDO:0014661, OMIM 616487.
Autosomal recessive limb-girdle muscular dystrophy type 2Q (LGMDR17). Also called: MUSCULAR DYSTROPHY, LIMB-GIRDLE, AUTOSOMAL RECESSIVE 17. Identifiers: Orphanet 254361, MedGen C3150989, MONDO:0013390, OMIM 613723.
Epidermolysis bullosa simplex, Ogna type (EBS5A). Also called: Pidermolysis bullosa simplex 5A, Ogna type; EPIDERMOLYSIS BULLOSA SIMPLEX 5A, OGNA TYPE. Identifiers: Orphanet 79401, MedGen C0432317, MONDO:0007555, OMIM 131950.
Epidermolysis bullosa simplex 5B, with muscular dystrophy (EBS5B). Also called: Epidermolysis bullosa simplex with muscular dystrophy; EPIDERMOLYSIS BULLOSA SIMPLEX AND LIMB-GIRDLE MUSCULAR DYSTROPHY. Identifiers: Orphanet 257, MedGen C2931072, MONDO:0009181, OMIM 226670.
Epidermolysis bullosa simplex 5C, with pyloric atresia (EBS5C). Also called: Epidermolysis bullosa simplex with pyloric atresia; PLEC-Related Epidermolysis Bullosa with Pyloric Atresia; PLEC1-Related Epidermolysis Bullosa with Pyloric Atresia. Identifiers: Orphanet 158684, MedGen C2677349, MONDO:0012807, OMIM 612138.

Allele frequency attached by ClinVar (database versions not stated): 1000 Genomes Project 30x 0.22939; 1000 Genomes Project 0.23103; TOPMed 0.28151; gnomAD 0.29923 and 0.30107; ESP Exome Variant Server 0.30769; ExAC 0.34379; gnomAD exomes 0.34444 and 0.39601.
gnomAD v4.1: 615,016 of 1,590,988 alleles (39%); highest among the groups gnomAD compares: Non-Finnish European, 42%; 125,490 homozygotes.

Submissions (8):

Genome-Nilou Lab
Classification: Benign for Epidermolysis bullosa simplex with nail dystrophy. Last evaluated: 2021-10-25. Review status: criteria provided, single submitter. Criteria: ACMG Guidelines, 2015. Collection method: clinical testing. Allele origin: germline. Affected: no.

Genome-Nilou Lab
Classification: Benign for Epidermolysis bullosa simplex, Ogna type. Last evaluated: 2021-10-25. Review status: criteria provided, single submitter. Criteria: ACMG Guidelines, 2015. Collection method: clinical testing. Allele origin: germline. Affected: no.

Genome-Nilou Lab
Classification: Benign for Epidermolysis bullosa simplex 5B, with muscular dystrophy. Last evaluated: 2021-10-25. Review status: criteria provided, single submitter. Criteria: ACMG Guidelines, 2015. Collection method: clinical testing. Allele origin: germline. Affected: no.

Genome-Nilou Lab
Classification: Benign for Epidermolysis bullosa simplex 5C, with pyloric atresia. Last evaluated: 2021-10-25. Review status: criteria provided, single submitter. Criteria: ACMG Guidelines, 2015. Collection method: clinical testing. Allele origin: germline. Affected: no.

Genome-Nilou Lab
Classification: Benign for Autosomal recessive limb-girdle muscular dystrophy type 2Q. Last evaluated: 2021-10-25. Review status: criteria provided, single submitter. Criteria: ACMG Guidelines, 2015. Collection method: clinical testing. Allele origin: germline. Affected: no.

GeneDx
Classification: Benign. Last evaluated: 2018-06-19. Review status: criteria provided, single submitter. Criteria: GeneDx Variant Classification (06012015). Collection method: clinical testing. Allele origin: germline. Affected: yes.
Comment: This variant is considered likely benign or benign based on one or more of the following criteria: it is a conservative change, it occurs at a poorly conserved position in the protein, it is predicted to be benign by multiple in silico algorithms, and/or has population frequency not consistent with disease.

Breakthrough Genomics
Classification: Benign. Review status: criteria provided, single submitter. Criteria: ACMG Guidelines, 2015. Collection method: not provided. Allele origin: germline. Inheritance: Autosomal recessive inheritance. Affected: yes.

PreventionGenetics, part of Exact Sciences
Classification: Benign. Review status: criteria provided, single submitter. Criteria: ACMG Guidelines, 2015. Collection method: clinical testing. Allele origin: germline.